The following is an entry in ClinVar:

ClinVar aggregate classification (germline): Uncertain significance (1 of 4 stars; one submission).

gnomAD v4.1: 1 of 1,610,648 alleles (0.000062%); no homozygotes.

Submission:

Labcorp Genetics (formerly Invitae), Labcorp
Classification: Uncertain significance. Last evaluated: 2025-07-03. Review status: criteria provided, single submitter. Criteria: Invitae Variant Classification Sherloc (09022015). Collection method: clinical testing. Allele origin: germline.
Comment: This sequence change replaces histidine, which is basic and polar, with glutamine, which is neutral and polar, at codon 323 of the IHH protein (p.His323Gln). This variant is not present in population databases (gnomAD no frequency). This variant has not been reported in the literature in individuals affected with IHH-related conditions. ClinVar contains an entry for this variant (Variation ID: 3696472). Invitae Evidence Modeling of protein sequence and biophysical properties (such as structural, functional, and spatial information, amino acid conservation, physicochemical variation, residue mobility, and thermodynamic stability) indicates that this missense variant is not expected to disrupt IHH protein function with a negative predictive value of 80%. In summary, the available evidence is currently insufficient to determine the role of this variant in disease. Therefore, it has been classified as a Variant of Uncertain Significance.

NM_002181.4(IHH):c.969C>G (p.His323Gln)

Gene: IHH (Indian hedgehog signaling molecule; minus strand). Cytogenetic location: 2q35.
Variant type: single nucleotide variant.
Coding change: c.969C>G on transcript NM_002181.4 (MANE Select); coding-DNA position 969, C replaced by G.
Protein change: p.His323Gln; replaces histidine 323 with glutamine.
Molecular consequence: missense variant.
Genome position (GRCh38, 1-based): chr2:219,055,474, G>C on the plus strand (C>G on the coding strand, the complement: IHH is on the minus strand). VCF-style: chr2-219055474-G-C. GRCh37 (hg19) VCF-style: chr2-219920196-G-C.
Other names: short protein forms H323Q.
Identifiers: ClinVar variation 3696472 (VCV003696472.2).